The following is an entry in ClinVar:

NM_003239.5(TGFB3):c.2T>A (p.Met1Lys)

Gene: TGFB3 (transforming growth factor beta 3; minus strand). Cytogenetic location: 14q24.3.
Variant type: single nucleotide variant.
Coding change: c.2T>A on transcript NM_003239.5 (MANE Select); coding-DNA position 2, T replaced by A.
Protein change: p.Met1Lys; changes the start codon (methionine 1).
Molecular consequence: missense variant, initiator codon variant.
Genome position (GRCh38, 1-based): chr14:75,980,892, A>T on the plus strand (T>A on the coding strand, the complement: TGFB3 is on the minus strand). VCF-style: chr14-75980892-A-T. GRCh37 (hg19) VCF-style: chr14-76447235-A-T.
Other names: c.2T>A, p.Met1Lys (NM_001329938.2, NM_001329939.2); c.2T>A (NM_003239.2); short protein forms M1K.
Identifiers: ClinVar variation 477635 (VCV000477635.12), dbSNP rs1555361455, ClinGen allele CA390472113.

ClinVar aggregate classification (germline): Uncertain significance. Review status: criteria provided, multiple submitters, no conflicts (2 of 4 stars). 3 submissions from 3 submitters: Uncertain significance (3). Last evaluated 2025-12-17.

Conditions:
Rienhoff syndrome. Also called: LOEYS-DIETZ SYNDROME 5. Identifiers: MedGen C3810012, MONDO:0014262, OMIM 615582.

Allele frequency attached by ClinVar (database versions not stated): TOPMed below 0.00001; gnomAD 0.00001.

Submissions (3):

GeneDx
Classification: Uncertain significance. Last evaluated: 2025-12-17. Review status: criteria provided, single submitter. Criteria: GeneDx Variant Classification Process June 2021. Collection method: clinical testing. Allele origin: germline. Affected: yes.
Comment: Not observed at significant frequency in large population cohorts (gnomAD); Initiation codon variant predicted to alter the protein; however, a downstream in-frame Methionine residue could serve as an alternate initiator codon; Has not been previously published as pathogenic or benign to our knowledge

Women's Health and Genetics/Laboratory Corporation of America, LabCorp
Classification: Uncertain significance. Last evaluated: 2025-11-07. Review status: criteria provided, single submitter. Criteria: LabCorp Variant Classification Summary - May 2015. Collection method: clinical testing. Allele origin: germline.
Comment: Variant summary: TGFB3 c.2T>A (p.Met1Lys) alters the initiation codon and is predicted to result either in absence of the protein or truncation of the encoded protein due to translation initiation at a downstream codon. An alternative downstream in-frame start codon (Met3) is located in the encoded protein. An activation of potential downstream translation initiation site would result in a shortened protein missing the first 2 amino acids from the protein sequence. To our knowledge no pathogenic variants have been reported upstream of this alternate codon. The variant was absent in 250560 control chromosomes. The available data on variant occurrences in the general population are insufficient to allow any conclusion about variant significance. To our knowledge, no occurrence of c.2T>A in individuals affected with TGFB3-related conditions and no experimental evidence demonstrating its impact on protein function have been reported. ClinVar contains an entry for this variant (Variation ID: 477635). Based on the evidence outlined above, the variant was classified as uncertain significance.

Labcorp Genetics (formerly Invitae), Labcorp
Classification: Uncertain significance for Rienhoff syndrome. Last evaluated: 2025-10-13. Review status: criteria provided, single submitter. Criteria: Invitae Variant Classification Sherloc (09022015). Collection method: clinical testing. Allele origin: germline.
Comment: This sequence change affects the initiator codon of the TGFB3 mRNA. This change may impact translation initiation or efficiency. The next in-frame methionine is located at codon 3. This variant is not present in population databases (gnomAD no frequency). This variant has not been reported in the literature in individuals affected with TGFB3-related conditions. ClinVar contains an entry for this variant (Variation ID: 477635). Experimental studies and prediction algorithms are not available or were not evaluated, and the functional significance of this variant is currently unknown. In summary, the available evidence is currently insufficient to determine the role of this variant in disease. Therefore, it has been classified as a Variant of Uncertain Significance.